The following is an entry in ClinVar:

ClinVar aggregate classification (germline): Uncertain significance (1 of 4 stars; one submission).

Submission:

GeneDx
Classification: Uncertain significance. Last evaluated: 2022-09-09. Review status: criteria provided, single submitter. Criteria: GeneDx Variant Classification Process June 2021. Collection method: clinical testing. Allele origin: germline. Affected: yes.
Comment: Not observed at significant frequency in large population cohorts (gnomAD); In silico analysis supports that this missense variant does not alter protein structure/function; Has not been previously published as pathogenic or benign to our knowledge

NM_022455.5(NSD1):c.5878A>G (p.Thr1960Ala)

Gene: NSD1 (nuclear receptor binding SET domain protein 1; plus strand). Cytogenetic location: 5q35.3.
Variant type: single nucleotide variant.
Coding change: c.5878A>G on transcript NM_022455.5 (MANE Select); coding-DNA position 5878, A replaced by G.
Protein change: p.Thr1960Ala; replaces threonine 1960 with alanine.
Molecular consequence: missense variant.
Genome position (GRCh38, 1-based): chr5:177,280,820, A>G. VCF-style: chr5-177280820-A-G. GRCh37 (hg19) VCF-style: chr5-176707821-A-G.
Other names: c.5005A>G, p.Thr1669Ala (NM_001365684.2, NM_001409308.1, NM_001409309.1 and 1 more transcripts); c.5878A>G, p.Thr1960Ala (NM_001409301.1, NM_001409302.1, NM_001409303.1); c.5458A>G, p.Thr1820Ala (NM_001409304.1); c.5125A>G, p.Thr1709Ala (NM_001409305.1); c.5116A>G, p.Thr1706Ala (NM_001409306.1, NM_001409307.1); short protein forms T1669A, T1691A, T1706A, T1709A, T1820A, T1960A.
Identifiers: ClinVar variation 2443502 (VCV002443502.1), dbSNP rs2480780763, ClinGen allele CA362313878.